The following is an entry in ClinVar:

ClinVar aggregate classification (germline): Likely pathogenic (1 of 4 stars; one submission).

Submission:

Dasa
Classification: Likely pathogenic. Last evaluated: 2025-04-02. Review status: criteria provided, single submitter. Criteria: DASA Assertion Criteria. Collection method: clinical testing. Allele origin: germline.
Comment: NM_001197104.2(KMT2A):c.4356_4357del (p.Cys1452*) is a frameshift variant in KMT2A predicted to alter the reading frame and introduce a premature termination codon and is predicted to result in an absent or altered protein product. Loss of function is an established disease mechanism for KMT2A (PMID: 22795537; PMID: 24818805; PMID: 27759909). Also, this variant is absent from population databases. Based on the currently available evidence, this variant is classified as likely pathogenic.

Literature cited by the submitters: PubMed 22795537; PubMed 24818805; PubMed 27759909.

NM_001197104.2(KMT2A):c.4356_4357del (p.Cys1452_Glu1453delinsTer)

Gene: KMT2A (lysine methyltransferase 2A; plus strand). Cytogenetic location: 11q23.3.
Variant type: Microsatellite.
Coding change: c.4356_4357del on transcript NM_001197104.2 (MANE Select); coding-DNA positions 4356 to 4357, 2 bases deleted (TG; older notation c.4356_4357delTG).
Protein change: p.Cys1452_Glu1453delinsTer.
Molecular consequence: nonsense.
Genome position (GRCh38, 1-based): chr11:118,488,637-118,488,638, TG deleted; deleting any 2 consecutive bases within chr11:118,488,635-118,488,638 gives the same sequence; the c. name uses the placement nearest the transcript's 3' end. VCF-style (leftmost placement, unchanged base first): chr11-118488634-TTG-T. GRCh37 (hg19) VCF-style: chr11-118359349-TTG-T.
Other names: c.4455_4456del, p.Cys1485_Glu1486delinsTer (NM_001412597.1); c.4356_4357del, p.Cys1452_Glu1453delinsTer (NM_005933.4).
Identifiers: ClinVar variation 4880704 (VCV004880704.2).
Genomic context (GRCh38, chr11:118,488,634, plus strand): 5'-TTATTTGACATACTTCTATCTTCCCATGTTCTTACTATAGTTTGTGTATTGCCAAGTCTG[TTG>T]TGAGCCCTTCCACAAGTTTTGTTTAGAGGAGAACGAGCGCCCTCTGGAGGACCAGCTGGA-3'